The following is an entry in ClinVar:

NM_006904.7(PRKDC):c.1344G>C (p.Gln448His)

Gene: PRKDC (protein kinase, DNA-activated, catalytic subunit; minus strand). Cytogenetic location: 8q11.21.
Variant type: single nucleotide variant.
Coding change: c.1344G>C on transcript NM_006904.7 (MANE Select); coding-DNA position 1344, G replaced by C.
Protein change: p.Gln448His; replaces glutamine 448 with histidine.
Molecular consequence: missense variant.
Genome position (GRCh38, 1-based): chr8:47,935,835, C>G on the plus strand (G>C on the coding strand, the complement: PRKDC is on the minus strand). VCF-style: chr8-47935835-C-G. GRCh37 (hg19) VCF-style: chr8-48848395-C-G.
Other names: c.1344G>C, p.Gln448His (NM_001081640.2); short protein forms Q448H.
Identifiers: ClinVar variation 1770435 (VCV001770435.7), dbSNP rs1484156055, ClinGen allele CA371165879.

ClinVar aggregate classification (germline): Uncertain significance. Review status: criteria provided, multiple submitters, no conflicts (2 of 4 stars). 2 submissions from 2 submitters: Uncertain significance (2). Last evaluated 2022-06-20.

Conditions:
Severe combined immunodeficiency due to DNA-PKcs deficiency. Also called: IMMUNODEFICIENCY 26 WITH NEUROLOGIC ABNORMALITIES; Immunodeficiency 26 with or without neurologic abnormalities. Identifiers: Orphanet 317425, MedGen C4014833, MONDO:0014423, OMIM 615966.

Allele frequency attached by ClinVar (database versions not stated): gnomAD exomes below 0.00001.
gnomAD v4.1: 1 of 1,613,972 alleles (0.000062%); highest among the groups gnomAD compares: Admixed American, 0.0017%; no homozygotes.

Submissions (2):

Labcorp Genetics (formerly Invitae), Labcorp
Classification: Uncertain significance for Severe combined immunodeficiency due to DNA-PKcs deficiency. Last evaluated: 2022-06-20. Review status: criteria provided, single submitter. Criteria: Invitae Variant Classification Sherloc (09022015). Collection method: clinical testing. Allele origin: germline.
Comment: This variant is present in population databases (no rsID available, gnomAD 0.003%). This sequence change replaces glutamine, which is neutral and polar, with histidine, which is basic and polar, at codon 448 of the PRKDC protein (p.Gln448His). This variant has not been reported in the literature in individuals affected with PRKDC-related conditions. Experimental studies and prediction algorithms are not available or were not evaluated, and the functional significance of this variant is currently unknown. In summary, the available evidence is currently insufficient to determine the role of this variant in disease. Therefore, it has been classified as a Variant of Uncertain Significance.

Ambry Genetics
Classification: Uncertain significance. Last evaluated: 2021-07-29. Review status: criteria provided, single submitter. Criteria: Ambry Variant Classification Scheme 2023. Collection method: clinical testing. Allele origin: germline.
Comment: The p.Q448H variant (also known as c.1344G>C), located in coding exon 13 of the PRKDC gene, results from a G to C substitution at nucleotide position 1344. The glutamine at codon 448 is replaced by histidine, an amino acid with highly similar properties. This amino acid position is conserved. In addition, this alteration is predicted to be tolerated by in silico analysis. Since supporting evidence is limited at this time, the clinical significance of this alteration remains unclear.